The following is an entry in ClinVar:

ClinVar aggregate classification (germline): Benign/Likely benign. Review status: criteria provided, multiple submitters, no conflicts (2 of 4 stars). 4 submissions from 4 submitters: Benign (1); Likely benign (3). Last evaluated 2025-11-01.

Conditions:
Multiple endocrine neoplasia, type 1 (MEN1). Also called: MEN I; WERMER SYNDROME; Endocrine adenomatosis multiple; MEN 1; MEA I. Identifiers: Orphanet 652, MedGen C0025267, MeSH D018761, MONDO:0007540, OMIM 131100.
Hereditary cancer-predisposing syndrome. Also called: Neoplastic Syndromes, Hereditary; Tumor predisposition; Hereditary Cancer Syndrome; Hereditary neoplastic syndrome. Identifiers: Orphanet 140162, MedGen C0027672, MeSH D009386, MONDO:0015356.

Submissions (4):

CeGaT Center for Human Genetics Tuebingen
Classification: Likely benign. Last evaluated: 2025-11-01. Review status: criteria provided, single submitter. Criteria: CeGaT Center For Human Genetics Tuebingen Variant Classification Criteria Version 2. Collection method: clinical testing. Allele origin: germline. Affected: yes. Observed: 1 variant allele.
Comment: MEN1: PM2:Supporting, BP4, BP7

Myriad Genetics, Inc.
Classification: Benign for Multiple endocrine neoplasia, type 1. Last evaluated: 2024-10-31. Review status: criteria provided, single submitter. Criteria: Myriad Autosomal Dominant, Autosomal Recessive and X-Linked Classification Criteria (2023). Collection method: clinical testing. Allele origin: unknown.
Comment: This variant is considered benign. This variant is a silent/synonymous amino acid change and it is not expected to impact splicing.

Labcorp Genetics (formerly Invitae), Labcorp
Classification: Likely benign for Multiple endocrine neoplasia, type 1. Last evaluated: 2023-10-07. Review status: criteria provided, single submitter. Criteria: Invitae Variant Classification Sherloc (09022015). Collection method: clinical testing. Allele origin: germline.

Ambry Genetics
Classification: Likely benign for Hereditary cancer-predisposing syndrome. Last evaluated: 2022-02-12. Review status: criteria provided, single submitter. Criteria: Ambry Variant Classification Scheme 2023. Collection method: clinical testing. Allele origin: germline.

NM_001370259.2(MEN1):c.81G>C (p.Leu27=)

Gene: MEN1 (menin 1; minus strand). Cytogenetic location: 11q13.1.
Variant type: single nucleotide variant.
Coding change: c.81G>C on transcript NM_001370259.2 (MANE Select); coding-DNA position 81, G replaced by C.
Protein change: p.Leu27=; no amino-acid change (leucine 27 retained).
Molecular consequence: synonymous variant.
Genome position (GRCh38, 1-based): chr11:64,810,029, C>G on the plus strand (G>C on the coding strand, the complement: MEN1 is on the minus strand). VCF-style: chr11-64810029-C-G. GRCh37 (hg19) VCF-style: chr11-64577501-C-G.
Other names: c.81G>C, p.Leu27= (NM_001370260.2, NM_001370261.2, NM_001370262.2 and 9 more transcripts).
Identifiers: ClinVar variation 705066 (VCV000705066.17), dbSNP rs1592660553, ClinGen allele CA475163113.